The following is an entry in ClinVar:

ClinVar aggregate classification (germline): Conflicting classifications of pathogenicity. Review status: criteria provided, conflicting classifications (1 of 4 stars). 7 submissions from 6 submitters: Uncertain significance (2); Likely benign (5). Last evaluated 2025-07-09.

Conditions:
Cardiovascular phenotype. Identifiers: MedGen CN230736.
Catecholaminergic polymorphic ventricular tachycardia (CVPT). Also called: Catecholamine-induced polymorphic ventricular tachycardia. Identifiers: Orphanet 3286, MedGen C5574922, MONDO:0017990.
Arrhythmogenic right ventricular dysplasia 2. Identifiers: MedGen C1832931.
Cardiomyopathy (CMYO). Also called: Cardiomyopathies. Identifiers: Orphanet 167848, MedGen C0878544, MONDO:0004994, HP:0001638. Inheritance: Various modes of inheritance.
Catecholaminergic polymorphic ventricular tachycardia 1. Also called: VENTRICULAR TACHYCARDIA, CATECHOLAMINERGIC POLYMORPHIC, 1, WITH OR WITHOUT ATRIAL DYSFUNCTION AND/OR DILATED CARDIOMYOPATHY; VENTRICULAR TACHYCARDIA, STRESS-INDUCED POLYMORPHIC 1; RYR2-Related Catecholaminergic Polymorphic Ventricular Tachycardia. Identifiers: Orphanet 3286, MedGen C1631597, MONDO:0011484, OMIM 604772.

Allele frequency attached by ClinVar (database versions not stated): gnomAD exomes below 0.00001 and 0.00001; TOPMed below 0.00001; ExAC 0.00001.
gnomAD v4.1: 10 of 1,612,738 alleles (0.00062%); highest among the groups gnomAD compares: East Asian, 0.0045%; no homozygotes.

Submissions (7):

Labcorp Genetics (formerly Invitae), Labcorp
Classification: Likely benign for Catecholaminergic polymorphic ventricular tachycardia 1. Last evaluated: 2025-07-09. Review status: criteria provided, single submitter. Criteria: Invitae Variant Classification Sherloc (09022015). Collection method: clinical testing. Allele origin: germline.

Women's Health and Genetics/Laboratory Corporation of America, LabCorp
Classification: Likely benign. Last evaluated: 2025-05-30. Review status: criteria provided, single submitter. Criteria: LabCorp Variant Classification Summary - May 2015. Collection method: clinical testing. Allele origin: germline.

All of Us Research Program, National Institutes of Health
Classification: Likely benign for Catecholaminergic polymorphic ventricular tachycardia. Last evaluated: 2024-08-06. Review status: criteria provided, single submitter. Criteria: ACMG Guidelines, 2015. Collection method: clinical testing. Allele origin: germline. Inheritance: Autosomal dominant inheritance. Observed: 3 variant alleles, 3 heterozygotes.
Comment: This study involves interpretation of variants in research participants for the purpose of population health screening. Participant phenotype was not available at the time of variant classification. Additional details can be found in publication PMID: 35346344, PMCID: PMC8962531

Ambry Genetics
Classification: Likely benign for Cardiovascular phenotype. Last evaluated: 2021-01-27. Review status: criteria provided, single submitter. Criteria: Ambry Variant Classification Scheme 2023. Collection method: clinical testing. Allele origin: germline.

Color Diagnostics, LLC DBA Color Health
Classification: Likely benign for Cardiomyopathy. Last evaluated: 2018-11-27. Review status: criteria provided, single submitter. Criteria: ACMG Guidelines, 2015. Collection method: clinical testing. Allele origin: germline.

Illumina Laboratory Services, Illumina
Classification: Uncertain significance for Catecholaminergic polymorphic ventricular tachycardia 1. Last evaluated: 2018-01-12. Review status: criteria provided, single submitter. Criteria: ICSL Variant Classification Criteria 13 December 2019. Collection method: clinical testing. Allele origin: germline.

Illumina Laboratory Services, Illumina
Classification: Uncertain significance for Catecholaminergic polymorphic ventricular tachycardia 1. Last evaluated: 2018-01-12. Review status: criteria provided, single submitter. Criteria: ICSL Variant Classification Criteria 13 December 2019. Collection method: clinical testing. Allele origin: germline.

NM_001035.3(RYR2):c.8493T>C (p.Val2831=)

Gene: RYR2 (ryanodine receptor 2; plus strand). Cytogenetic location: 1q43.
Variant type: single nucleotide variant.
Coding change: c.8493T>C on transcript NM_001035.3 (MANE Select); coding-DNA position 8493, T replaced by C.
Protein change: p.Val2831=; no amino-acid change (valine 2831 retained).
Molecular consequence: synonymous variant.
Genome position (GRCh38, 1-based): chr1:237,666,568, T>C. VCF-style: chr1-237666568-T-C. GRCh37 (hg19) VCF-style: chr1-237829868-T-C.
Other names: c.8493T>C, p.Val2831= (LRG_402t1).
Identifiers: ClinVar variation 296734 (VCV000296734.21), dbSNP rs755660659, ClinGen allele CA087653.